The following is an entry in ClinVar:

ClinVar aggregate classification (germline): Benign/Likely benign. Review status: criteria provided, multiple submitters, no conflicts (2 of 4 stars). 6 submissions from 6 submitters: Benign (1); Likely benign (5). Last evaluated 2025-04-04.

Conditions:
Familial adenomatous polyposis 1 (FAP1). Also called: FAMILIAL ADENOMATOUS POLYPOSIS 1, ATTENUATED; POLYPOSIS, ADENOMATOUS INTESTINAL. Identifiers: MedGen C2713442, MONDO:0021056, OMIM 175100. Disease mechanism: loss of function.
Classic or attenuated familial adenomatous polyposis. Identifiers: MedGen CN372698, MONDO:0021057.
Hereditary cancer-predisposing syndrome. Also called: Neoplastic Syndromes, Hereditary; Tumor predisposition; Hereditary Cancer Syndrome; Hereditary neoplastic syndrome. Identifiers: Orphanet 140162, MedGen C0027672, MeSH D009386, MONDO:0015356.

Allele frequency attached by ClinVar (database versions not stated): gnomAD exomes below 0.00001 and 0.00001; gnomAD 0.00001.
gnomAD v4.1: 4 of 1,614,098 alleles (0.00025%); highest among the groups gnomAD compares: Non-Finnish European, 0.00034%; no homozygotes.

Submissions (6):

Women's Health and Genetics/Laboratory Corporation of America, LabCorp
Classification: Likely benign. Last evaluated: 2025-04-04. Review status: criteria provided, single submitter. Criteria: LabCorp Variant Classification Summary - May 2015. Collection method: clinical testing. Allele origin: germline.

Labcorp Genetics (formerly Invitae), Labcorp
Classification: Likely benign for Familial adenomatous polyposis 1. Last evaluated: 2025-01-19. Review status: criteria provided, single submitter. Criteria: Invitae Variant Classification Sherloc (09022015). Collection method: clinical testing. Allele origin: germline.

Myriad Genetics, Inc.
Classification: Benign for Familial adenomatous polyposis 1. Last evaluated: 2024-03-15. Review status: criteria provided, single submitter. Criteria: Myriad Autosomal Dominant, Autosomal Recessive and X-Linked Classification Criteria (2023). Collection method: clinical testing. Allele origin: unknown.
Comment: This variant is considered benign. This variant is a silent/synonymous amino acid change and it is not expected to impact splicing.

All of Us Research Program, National Institutes of Health
Classification: Likely benign for Classic or attenuated familial adenomatous polyposis. Last evaluated: 2023-12-13. Review status: criteria provided, single submitter. Criteria: ACMG Guidelines, 2015. Collection method: clinical testing. Allele origin: germline. Inheritance: Autosomal dominant inheritance. Observed: 1 variant allele, 1 heterozygote.
Comment: This study involves interpretation of variants in research participants for the purpose of population health screening. Participant phenotype was not available at the time of variant classification. Additional details can be found in publication PMID: 35346344, PMCID: PMC8962531

Color Diagnostics, LLC DBA Color Health
Classification: Likely benign for Hereditary cancer-predisposing syndrome. Last evaluated: 2020-02-24. Review status: criteria provided, single submitter. Criteria: ACMG Guidelines, 2015. Collection method: clinical testing. Allele origin: germline.

Ambry Genetics
Classification: Likely benign for Hereditary cancer-predisposing syndrome. Last evaluated: 2015-11-19. Review status: criteria provided, single submitter. Criteria: Ambry Variant Classification Scheme 2023. Collection method: clinical testing. Allele origin: germline.

NM_000038.6(APC):c.2697C>T (p.Thr899=)

Gene: APC (APC regulator of Wnt signaling pathway; plus strand). Cytogenetic location: 5q22.2.
Variant type: single nucleotide variant.
Coding change: c.2697C>T on transcript NM_000038.6 (MANE Select); coding-DNA position 2697, C replaced by T.
Protein change: p.Thr899=; no amino-acid change (threonine 899 retained).
Molecular consequence: synonymous variant.
Genome position (GRCh38, 1-based): chr5:112,838,291, C>T. VCF-style: chr5-112838291-C-T. GRCh37 (hg19) VCF-style: chr5-112173988-C-T.
Other names: c.2697C>T, p.Thr899= (NM_001127510.3, NM_001354895.2); c.2643C>T, p.Thr881= (NM_001127511.3); c.2751C>T, p.Thr917= (NM_001354896.2); c.2727C>T, p.Thr909= (NM_001354897.2); c.2622C>T, p.Thr874= (NM_001354898.2); c.2613C>T, p.Thr871= (NM_001354899.2); c.2574C>T, p.Thr858= (NM_001354900.2); c.2520C>T, p.Thr840= (NM_001354901.2); and 5 more.
Identifiers: ClinVar variation 485107 (VCV000485107.20), dbSNP rs1183756347, ClinGen allele CA445963014.